The following is an entry in ClinVar:

NM_002439.5(MSH3):c.2783C>T (p.Thr928Ile)

Gene: MSH3 (mutS homolog 3; plus strand). Cytogenetic location: 5q14.1.
Variant type: single nucleotide variant.
Coding change: c.2783C>T on transcript NM_002439.5 (MANE Select); coding-DNA position 2783, C replaced by T.
Protein change: p.Thr928Ile; replaces threonine 928 with isoleucine.
Molecular consequence: missense variant.
Genome position (GRCh38, 1-based): chr5:80,813,711, C>T. VCF-style: chr5-80813711-C-T. GRCh37 (hg19) VCF-style: chr5-80109530-C-T.
Other names: c.2783C>T (NM_002439.3); short protein forms T928I.
Identifiers: ClinVar variation 2992833 (VCV002992833.4), dbSNP rs1745049937, ClinGen allele CA360274067.

ClinVar aggregate classification (germline): Uncertain significance. Review status: criteria provided, multiple submitters, no conflicts (2 of 4 stars). 2 submissions from 2 submitters: Uncertain significance (2). Last evaluated 2026-07-07.

Conditions:
Hereditary cancer-predisposing syndrome. Also called: Hereditary Cancer Syndrome; Hereditary neoplastic syndrome; Neoplastic Syndromes, Hereditary; Tumor predisposition. Identifiers: Orphanet 140162, MedGen C0027672, MeSH D009386, MONDO:0015356.

Allele frequency attached by ClinVar (database versions not stated): gnomAD exomes below 0.00001.
gnomAD v4.1: 1 of 1,614,116 alleles (0.000062%); highest among the groups gnomAD compares: Non-Finnish European, 0.000085%; no homozygotes.

Submissions (2):

Ambry Genetics
Classification: Uncertain significance for Hereditary cancer-predisposing syndrome. Last evaluated: 2026-07-07. Review status: criteria provided, single submitter. Criteria: Ambry Variant Classification Scheme 2023. Collection method: clinical testing. Allele origin: germline.
Comment: The p.T928I variant (also known as c.2783C>T), located in coding exon 20 of the MSH3 gene, results from a C to T substitution at nucleotide position 2783. The threonine at codon 928 is replaced by isoleucine, an amino acid with similar properties. This amino acid position is conserved. In addition, this alteration is predicted to be tolerated by in silico analysis. Based on the available evidence, the clinical significance of this variant remains unclear.

Labcorp Genetics (formerly Invitae), Labcorp
Classification: Uncertain significance. Last evaluated: 2025-05-17. Review status: criteria provided, single submitter. Criteria: Invitae Variant Classification Sherloc (09022015). Collection method: clinical testing. Allele origin: germline.
Comment: This sequence change replaces threonine, which is neutral and polar, with isoleucine, which is neutral and non-polar, at codon 928 of the MSH3 protein (p.Thr928Ile). This variant is not present in population databases (gnomAD no frequency). This variant has not been reported in the literature in individuals affected with MSH3-related conditions. ClinVar contains an entry for this variant (Variation ID: 2992833). An algorithm developed to predict the effect of missense changes on protein structure and function (PolyPhen-2) suggests that this variant is likely to be tolerated. In summary, the available evidence is currently insufficient to determine the role of this variant in disease. Therefore, it has been classified as a Variant of Uncertain Significance.